The following is an entry in ClinVar:

ClinVar aggregate classification (germline): Uncertain significance (1 of 4 stars; one submission).

Allele frequency attached by ClinVar (database versions not stated): ESP Exome Variant Server 0.00008; gnomAD exomes below 0.00001; TOPMed below 0.00001; gnomAD 0.00001.
gnomAD v4.1: 3 of 1,613,772 alleles (0.00019%); highest among the groups gnomAD compares: Non-Finnish European, 0.00025%; no homozygotes.

Submission:

Labcorp Genetics (formerly Invitae), Labcorp
Classification: Uncertain significance. Last evaluated: 2025-09-25. Review status: criteria provided, single submitter. Criteria: Invitae Variant Classification Sherloc (09022015). Collection method: clinical testing. Allele origin: germline.
Comment: This sequence change replaces glutamic acid, which is acidic and polar, with lysine, which is basic and polar, at codon 167 of the MYLK3 protein (p.Glu167Lys). This variant is present in population databases (rs149773572, gnomAD 0.007%). This variant has not been reported in the literature in individuals affected with MYLK3-related conditions. ClinVar contains an entry for this variant (Variation ID: 1373683). An algorithm developed to predict the effect of missense changes on protein structure and function outputs the following: PolyPhen-2: "Benign". The lysine amino acid residue is found in multiple mammalian species, which suggests that this missense change does not adversely affect protein function. In summary, the available evidence is currently insufficient to determine the role of this variant in disease. Therefore, it has been classified as a Variant of Uncertain Significance.

NM_182493.3(MYLK3):c.499G>A (p.Glu167Lys)

Gene: MYLK3 (myosin light chain kinase 3; minus strand). Cytogenetic location: 16q11.2.
Variant type: single nucleotide variant.
Coding change: c.499G>A on transcript NM_182493.3 (MANE Select); coding-DNA position 499, G replaced by A.
Protein change: p.Glu167Lys; replaces glutamic acid 167 with lysine.
Molecular consequence: missense variant. On other transcripts: 5 prime UTR variant (1).
Genome position (GRCh38, 1-based): chr16:46,740,126, C>T on the plus strand (G>A on the coding strand, the complement: MYLK3 is on the minus strand). VCF-style: chr16-46740126-C-T. GRCh37 (hg19) VCF-style: chr16-46774038-C-T.
Other names: c.-92G>A (NM_001308301.1); short protein forms E167K.
Identifiers: ClinVar variation 1373683 (VCV001373683.6), dbSNP rs149773572, ClinGen allele CA280237424.